The following is an entry in ClinVar:

ClinVar aggregate classification (germline): Uncertain significance. Review status: criteria provided, multiple submitters, no conflicts (2 of 4 stars). 8 submissions from 8 submitters: Uncertain significance (8). Last evaluated 2025-10-02.

Conditions:
Inborn genetic diseases. Identifiers: MedGen C0950123, MeSH D030342.
Spastic paraplegia. Identifiers: MedGen C0037772, HP:0001258.
Hereditary spastic paraplegia. Also called: Familial spastic paraparesis. Identifiers: Orphanet 685, MedGen C0037773, MONDO:0019064. Disease mechanism: loss of function.
Hereditary spastic paraplegia 15 (SPG15). Also called: SPASTIC PARAPLEGIA 15, AUTOSOMAL RECESSIVE; KJELLIN SYNDROME; SPASTIC PARAPLEGIA AND RETINAL DEGENERATION. Identifiers: Orphanet 100996, MedGen C1849128, MONDO:0010044, OMIM 270700.

Allele frequency attached by ClinVar (database versions not stated): gnomAD 0.00001 and 0.00003; TOPMed 0.00003; gnomAD exomes 0.00006; ExAC 0.00007; ESP Exome Variant Server 0.00008.
gnomAD v4.1: 63 of 1,614,202 alleles (0.0039%); highest among the groups gnomAD compares: Middle Eastern, 0.082%; no homozygotes.

Submissions (8):

Labcorp Genetics (formerly Invitae), Labcorp
Classification: Uncertain significance for Spastic paraplegia. Last evaluated: 2025-10-02. Review status: criteria provided, single submitter. Criteria: Invitae Variant Classification Sherloc (09022015). Collection method: clinical testing. Allele origin: germline.
Comment: This sequence change replaces arginine, which is basic and polar, with serine, which is neutral and polar, at codon 1484 of the ZFYVE26 protein (p.Arg1484Ser). This variant is present in population databases (rs368241137, gnomAD 0.03%). This variant has not been reported in the literature in individuals affected with ZFYVE26-related conditions. ClinVar contains an entry for this variant (Variation ID: 649757). An algorithm developed to predict the effect of missense changes on protein structure and function (PolyPhen-2) suggests that this variant is likely to be tolerated. In summary, the available evidence is currently insufficient to determine the role of this variant in disease. Therefore, it has been classified as a Variant of Uncertain Significance.

Ambry Genetics
Classification: Uncertain significance for Inborn genetic diseases. Last evaluated: 2025-01-24. Review status: criteria provided, single submitter. Criteria: Ambry Variant Classification Scheme 2023. Collection method: clinical testing. Allele origin: germline.

Revvity Omics, Revvity
Classification: Uncertain significance for Hereditary spastic paraplegia 15. Last evaluated: 2024-10-21. Review status: criteria provided, single submitter. Criteria: ACMG Guidelines, 2015. Collection method: clinical testing. Allele origin: germline.

Blueprint Genetics
Classification: Uncertain significance. Last evaluated: 2023-09-12. Review status: criteria provided, single submitter. Criteria: ACMG Guidelines, 2015. Collection method: clinical testing. Allele origin: germline.

Mayo Clinic Laboratories, Mayo Clinic
Classification: Uncertain significance. Last evaluated: 2022-06-06. Review status: criteria provided, single submitter. Criteria: ACMG Guidelines, 2015. Collection method: clinical testing. Allele origin: germline. Observed: 1 variant allele.
Comment: BP4

Fulgent Genetics
Classification: Uncertain significance for Hereditary spastic paraplegia 15. Last evaluated: 2021-10-07. Review status: criteria provided, single submitter. Criteria: ACMG Guidelines, 2015. Collection method: clinical testing. Allele origin: unknown.

Genome Diagnostics Laboratory, The Hospital for Sick Children
Classification: Uncertain significance for Hereditary spastic paraplegia. Last evaluated: 2019-10-01. Review status: criteria provided, single submitter. Criteria: ACMG Guidelines, 2015. Collection method: clinical testing. Allele origin: germline. Affected: yes.

Breakthrough Genomics
Classification: Uncertain significance. Review status: criteria provided, single submitter. Criteria: ACMG Guidelines, 2015. Collection method: not provided. Allele origin: germline. Inheritance: Autosomal recessive inheritance. Affected: yes.

NM_015346.4(ZFYVE26):c.4452G>C (p.Arg1484Ser)

Gene: ZFYVE26 (zinc finger FYVE-type containing 26; minus strand). Cytogenetic location: 14q24.1.
Variant type: single nucleotide variant.
Coding change: c.4452G>C on transcript NM_015346.4 (MANE Select); coding-DNA position 4452, G replaced by C.
Protein change: p.Arg1484Ser; replaces arginine 1484 with serine.
Molecular consequence: missense variant.
Genome position (GRCh38, 1-based): chr14:67,781,450, C>G on the plus strand (G>C on the coding strand, the complement: ZFYVE26 is on the minus strand). VCF-style: chr14-67781450-C-G. GRCh37 (hg19) VCF-style: chr14-68248167-C-G.
Other names: p.Arg1484Ser; short protein forms R1484S.
Identifiers: ClinVar variation 649757 (VCV000649757.13), dbSNP rs368241137, ClinGen allele CA7239759.